The following is an entry in ClinVar:

NM_003073.5(SMARCB1):c.712G>A (p.Ala238Thr)

Gene: SMARCB1 (SWI/SNF related BAF chromatin remodeling complex subunit B1; plus strand). Cytogenetic location: 22q11.23.
Variant type: single nucleotide variant.
Coding change: c.712G>A on transcript NM_003073.5 (MANE Select); coding-DNA position 712, G replaced by A.
Protein change: p.Ala238Thr; replaces alanine 238 with threonine.
Molecular consequence: missense variant.
Genome position (GRCh38, 1-based): chr22:23,816,853, G>A. VCF-style: chr22-23816853-G-A. GRCh37 (hg19) VCF-style: chr22-24159040-G-A.
Other names: c.712G>A (NM_003073.4, LRG_520t1); c.685G>A, p.Ala229Thr (NM_001007468.3); c.739G>A, p.Ala247Thr (NM_001317946.2); c.766G>A, p.Ala256Thr (NM_001362877.2); short protein forms A238T, A247T, A229T, A256T.
Identifiers: ClinVar variation 410709 (VCV000410709.15), dbSNP rs765514964, ClinGen allele CA10146035.

ClinVar aggregate classification (germline): Conflicting classifications of pathogenicity. Review status: criteria provided, conflicting classifications (1 of 4 stars). 4 submissions from 4 submitters: Uncertain significance (2); Benign (1). 1 of the submissions does not count toward it. Last evaluated 2026-01-16.

Conditions:
SMARCB1-related disorder. Also called: SMARCB1-related condition; SMARCB1-related disorders.
Hereditary cancer-predisposing syndrome. Also called: Hereditary neoplastic syndrome; Neoplastic Syndromes, Hereditary; Hereditary Cancer Syndrome; Tumor predisposition. Identifiers: Orphanet 140162, MedGen C0027672, MeSH D009386, MONDO:0015356.

Allele frequency attached by ClinVar (database versions not stated): ExAC 0.00002; gnomAD exomes 0.00002 and 0.00003; TOPMed 0.00002; gnomAD 0.00003.

Submissions (4):

Labcorp Genetics (formerly Invitae), Labcorp
Classification: Uncertain significance. Last evaluated: 2026-01-16. Review status: criteria provided, single submitter. Criteria: Invitae Variant Classification Sherloc (09022015). Collection method: clinical testing. Allele origin: germline.
Comment: This sequence change replaces alanine, which is neutral and non-polar, with threonine, which is neutral and polar, at codon 238 of the SMARCB1 protein (p.Ala238Thr). This variant is present in population databases (rs765514964, gnomAD 0.01%). This missense change has been observed in individual(s) with SMARCB1-related conditions (PMID: 37500730). ClinVar contains an entry for this variant (Variation ID: 410709). Invitae Evidence Modeling of protein sequence and biophysical properties (such as structural, functional, and spatial information, amino acid conservation, physicochemical variation, residue mobility, and thermodynamic stability) indicates that this missense variant is not expected to disrupt SMARCB1 protein function with a negative predictive value of 80%. In summary, the available evidence is currently insufficient to determine the role of this variant in disease. Therefore, it has been classified as a Variant of Uncertain Significance.

GeneDx
Classification: Uncertain significance. Last evaluated: 2023-06-16. Review status: criteria provided, single submitter. Criteria: GeneDx Variant Classification Process June 2021. Collection method: clinical testing. Allele origin: germline. Affected: yes.
Comment: In silico analysis supports that this missense variant does not alter protein structure/function; Has not been previously published as pathogenic or benign to our knowledge; This variant is associated with the following publications: (PMID: 26073604)

Ambry Genetics
Classification: Benign for Hereditary cancer-predisposing syndrome. Last evaluated: 2022-05-12. Review status: criteria provided, single submitter. Criteria: Ambry Variant Classification Scheme 2023. Collection method: clinical testing. Allele origin: germline.

PreventionGenetics, part of Exact Sciences
Classification: Uncertain significance for SMARCB1-related condition. Last evaluated: 2024-06-14. Review status: no assertion criteria provided. Collection method: clinical testing. Allele origin: germline. Not counted in ClinVar's aggregate classification.
Comment: The SMARCB1 c.712G>A variant is predicted to result in the amino acid substitution p.Ala238Thr. To our knowledge, this variant has not been reported in the literature. This variant is reported in 0.011% of alleles in individuals of Latino descent in gnomAD. This variant has conflicting interpretations in ClinVar from uncertain significance to benign. At this time, the clinical significance of this variant is uncertain due to the absence of conclusive functional and genetic evidence.

Literature cited by the submitters: PubMed 37500730 (cited by Labcorp Genetics (formerly Invitae), Labcorp).